The following is an entry in ClinVar:

NM_020207.7(ERCC6L2):c.2376G>T (p.Gln792His)

Gene: ERCC6L2 (ERCC excision repair 6 like 2; plus strand). Cytogenetic location: 9q22.32.
Variant type: single nucleotide variant.
Coding change: c.2376G>T on transcript NM_020207.7 (MANE Select); coding-DNA position 2376, G replaced by T.
Protein change: p.Gln792His; replaces glutamine 792 with histidine.
Molecular consequence: missense variant. On other transcripts: non-coding transcript variant (1).
Genome position (GRCh38, 1-based): chr9:95,972,127, G>T. VCF-style: chr9-95972127-G-T. GRCh37 (hg19) VCF-style: chr9-98734409-G-T.
Other names: c.2376G>T, p.Gln792His (NM_001375291.1, NM_001375292.1, NM_001375293.1 and 1 more transcripts); short protein forms Q792H.
Identifiers: ClinVar variation 2443126 (VCV002443126.2), dbSNP rs1832441936, ClinGen allele CA2506328500.

ClinVar aggregate classification (germline): Uncertain significance (0 of 4 stars; one submission).

Submission:

Genetic Services Laboratory, University of Chicago
Classification: Uncertain significance. Last evaluated: 2022-08-29. Review status: no assertion criteria provided. Collection method: clinical testing. Allele origin: germline. Affected: no.
Comment: DNA sequence analysis of the ERCC6L2 gene demonstrated a sequence change, c.2409G>T, in exon 16 that results in an amino acid change, p.Gln803His. This sequence change does not appear to have been previously described in individuals with ERCC6L2-related disorders and has also not been described in population databases such as ExAC and gnomAD. The p.Gln803His change affects a highly conserved amino acid residue located in a domain of the ERCC6L2 protein that is not known to be functional. In-silico pathogenicity prediction tools (SIFT, Align GVGD) provide contradictory results for the p.Gln803His substitution. Due to insufficient evidences and the lack of functional studies, the clinical significance of the p.Gln803His change remains unknown at this time.